The following is an entry in ClinVar:

ClinVar aggregate classification (germline): Conflicting classifications of pathogenicity. Review status: criteria provided, conflicting classifications (1 of 4 stars). 5 submissions from 5 submitters: Uncertain significance (4); Likely benign (1). Last evaluated 2025-06-17.

Conditions:
Ornithine carbamoyltransferase deficiency (OTCD). Also called: ORNITHINE TRANSCARBAMYLASE DEFICIENCY; OTC DEFICIENCY; Ornithine Carbamoyltransferase Deficiency Disease; ORNITHINE TRANSCARBAMYLASE DEFICIENCY, HYPERAMMONEMIA DUE TO. Identifiers: Orphanet 664, MedGen C0268542, MONDO:0010703, OMIM 311250.

Allele frequency attached by ClinVar (database versions not stated): 1000 Genomes Project 30x 0.00021; gnomAD 0.00002 and 0.00003; ExAC 0.00005; 1000 Genomes Project 0.00026; TOPMed 0.00001; gnomAD exomes 0.00002 and 0.00009.
gnomAD v4.1: 80 of 1,026,011 alleles (0.0078%); highest among the groups gnomAD compares: Non-Finnish European, 0.01%; no homozygotes.

Submissions (5):

Labcorp Genetics (formerly Invitae), Labcorp
Classification: Uncertain significance for Ornithine carbamoyltransferase deficiency. Last evaluated: 2025-06-17. Review status: criteria provided, single submitter. Criteria: Invitae Variant Classification Sherloc (09022015). Collection method: clinical testing. Allele origin: germline.
Comment: This sequence change replaces glutamine, which is neutral and polar, with glutamic acid, which is acidic and polar, at codon 270 of the OTC protein (p.Gln270Glu). This variant is present in population databases (rs72558451, gnomAD 0.006%), including at least one homozygous and/or hemizygous individual. This variant has not been reported in the literature in individuals affected with OTC-related conditions. ClinVar contains an entry for this variant (Variation ID: 93224). Invitae Evidence Modeling of protein sequence and biophysical properties (such as structural, functional, and spatial information, amino acid conservation, physicochemical variation, residue mobility, and thermodynamic stability) indicates that this missense variant is expected to disrupt OTC protein function with a positive predictive value of 95%. In summary, the available evidence is currently insufficient to determine the role of this variant in disease. Therefore, it has been classified as a Variant of Uncertain Significance.

Women's Health and Genetics/Laboratory Corporation of America, LabCorp
Classification: Likely benign. Last evaluated: 2025-04-18. Review status: criteria provided, single submitter. Criteria: LabCorp Variant Classification Summary - May 2015. Collection method: clinical testing. Allele origin: germline.
Comment: Variant summary: OTC c.808C>G (p.Gln270Glu) results in a conservative amino acid change located in the SMG loop (Lo_2023) in the encoded protein sequence. Four of five in-silico tools predict a damaging effect of the variant on protein function. The variant allele was found at a frequency of 7.8e-05 in 1026011 control chromosomes, including 27 hemizygotes in the gnomAD database (v4.1 dataset). Age data of the hemizygotes (age range of 40-70 yo; with 11 carriers being over the age of 60 yo) in the gnomAD database suggests that the variant is likely not associated with a high penetrance, early onset disease phenotype. To our knowledge, no occurrence of c.808C>G in individuals affected with Ornithine Transcarbamylase Deficiency has been reported. At least one publication reports experimental evidence evaluating an impact on protein function, demonstrating no damaging effect, however the authors of the study noted that for variants located in the SMG loop region, their in vitro functional analysis might not allow convincing conclusions about the variant effect (Lo_2023). The following publication has been ascertained in the context of this evaluation (PMID: 37146589). ClinVar contains an entry for this variant (Variation ID: 93224). Based on the evidence outlined above, the variant was classified as likely benign.

All of Us Research Program, National Institutes of Health
Classification: Uncertain significance for Ornithine carbamoyltransferase deficiency. Last evaluated: 2023-11-20. Review status: criteria provided, single submitter. Criteria: ACMG Guidelines, 2015. Collection method: clinical testing. Allele origin: germline. Inheritance: X-linked inheritance. Observed: 1 variant allele, 1 heterozygote.
Comment: This missense variant replaces glutamine with glutamic acid at codon 270 of the OTC protein. Computational prediction suggests that this variant may have deleterious impact on protein structure and function (internally defined REVEL score threshold >= 0.7, PMID: 27666373). To our knowledge, functional studies have not been reported for this variant. This variant has not been reported in individuals affected with ornithine carbamoyltransferase deficiency in the literature. This variant has been identified in 4/204948 chromosomes in the general population by the Genome Aggregation Database (gnomAD). The available evidence is insufficient to determine the role of this variant in disease conclusively. Therefore, this variant is classified as a Variant of Uncertain Significance.

This study involves interpretation of variants in research participants for the purpose of population health screening. Participant phenotype was not available at the time of variant classification. Additional details can be found in publication PMID: 35346344, PMCID: PMC8962531

Color Diagnostics, LLC DBA Color Health
Classification: Uncertain significance for Ornithine carbamoyltransferase deficiency. Last evaluated: 2023-11-01. Review status: criteria provided, single submitter. Criteria: ACMG Guidelines, 2015. Collection method: clinical testing. Allele origin: germline.
Comment: This missense variant replaces glutamine with glutamic acid at codon 270 of the OTC protein. Computational prediction suggests that this variant may have deleterious impact on protein structure and function. To our knowledge, functional studies have not been reported for this variant. This variant has not been reported in individuals affected with ornithine carbamoyltransferase deficiency in the literature. This variant has been identified in 4/204948 chromosomes in the general population by the Genome Aggregation Database (gnomAD). The available evidence is insufficient to determine the role of this variant in disease conclusively. Therefore, this variant is classified as a Variant of Uncertain Significance.

Eurofins Ntd Llc (ga)
Classification: Uncertain significance. Last evaluated: 2012-08-20. Review status: criteria provided, single submitter. Criteria: EGL Classification Definitions 2015. Collection method: clinical testing. Allele origin: germline. Observed: 1 variant allele, 1 hemizygote.

Literature cited by the submitters: PubMed 37146589 (cited by Women's Health and Genetics/Laboratory Corporation of America, LabCorp).

NM_000531.6(OTC):c.808C>G (p.Gln270Glu)

Gene: OTC (ornithine transcarbamylase; plus strand). Cytogenetic location: Xp11.4.
Variant type: single nucleotide variant.
Coding change: c.808C>G on transcript NM_000531.6 (MANE Select); coding-DNA position 808, C replaced by G.
Protein change: p.Gln270Glu; replaces glutamine 270 with glutamic acid.
Molecular consequence: missense variant.
Genome position (GRCh38, 1-based): chrX:38,408,966, C>G. VCF-style: chrX-38408966-C-G. GRCh37 (hg19) VCF-style: chrX-38268219-C-G.
Other names: short protein forms Q270E.
Identifiers: ClinVar variation 93224 (VCV000093224.17), dbSNP rs72558451, ClinGen allele CA221094.